The following is an entry in ClinVar:

ClinVar aggregate classification (germline): Likely pathogenic (1 of 4 stars; one submission).

Conditions:
Mucopolysaccharidosis, MPS-III-A (MPS3A). Also called: HEPARAN SULFATE SULFATASE DEFICIENCY; SANFILIPPO SYNDROME A; SULFAMIDASE DEFICIENCY; MPS III A; Mucopolysaccharidosis, type IIIA; MUCOPOLYSACCHARIDOSIS, TYPE IIIA, ATTENUATED. Identifiers: Orphanet 581, Orphanet 79269, MedGen C0086647, MONDO:0009655, OMIM 252900.

Allele frequency attached by ClinVar (database versions not stated): gnomAD exomes below 0.00001.

Submission:

Labcorp Genetics (formerly Invitae), Labcorp
Classification: Likely pathogenic for Mucopolysaccharidosis, MPS-III-A. Last evaluated: 2022-03-23. Review status: criteria provided, single submitter. Criteria: Invitae Variant Classification Sherloc (09022015). Collection method: clinical testing. Allele origin: germline.
Comment: In summary, the currently available evidence indicates that the variant is pathogenic, but additional data are needed to prove that conclusively. Therefore, this variant has been classified as Likely Pathogenic. This variant is not present in population databases (gnomAD no frequency). This variant has not been reported in the literature in individuals affected with SGSH-related conditions. Algorithms developed to predict the effect of sequence changes on RNA splicing suggest that this variant may disrupt the consensus splice site. This sequence change affects a donor splice site in intron 5 of the SGSH gene. It is expected to disrupt RNA splicing. Variants that disrupt the donor or acceptor splice site typically lead to a loss of protein function (PMID: 16199547), and loss-of-function variants in SGSH are known to be pathogenic (PMID: 11182930, 21204211, 22976768).

Literature cited by the submitters: PubMed 16199547; PubMed 11182930; PubMed 21204211; PubMed 22976768.

NM_000199.5(SGSH):c.663+1G>A

Gene: SGSH (N-sulfoglucosamine sulfohydrolase; minus strand). Cytogenetic location: 17q25.3.
Variant type: single nucleotide variant.
Coding change: c.663+1G>A on transcript NM_000199.5 (MANE Select); the canonical splice donor site of the intron after coding-DNA position 663, G replaced by A.
Molecular consequence: splice donor variant.
Genome position (GRCh38, 1-based): chr17:80,214,171, C>T on the plus strand (G>A on the coding strand, the complement: SGSH is on the minus strand). VCF-style: chr17-80214171-C-T. GRCh37 (hg19) VCF-style: chr17-78187970-C-T.
Other names: c.663+1G>A (NM_001352921.3, NM_001352922.2).
Identifiers: ClinVar variation 2111245 (VCV002111245.4), dbSNP rs2510889949, ClinGen allele CA401361681.
Genomic context (GRCh38, chr17:80,214,171, plus strand): 5'-AGGCCAGGGTCCCCGACCCAGGGCTGACGGGCGTCCTGAAACACAGGAGGGGCCGTCCTA[C>T]CAGCACGTCCAGTGGGTCGTAGGCCTGGGGGGTCCAGTCTGGGATACGACCCATGCCGCT-3'